The following is an entry in ClinVar:

ClinVar aggregate classification (germline): Uncertain significance (1 of 4 stars; one submission).

Allele frequency attached by ClinVar (database versions not stated): TOPMed 0.00001; gnomAD 0.00002; gnomAD exomes 0.00002.
gnomAD v4.1: 27 of 1,613,506 alleles (0.0017%); highest among the groups gnomAD compares: Non-Finnish European, 0.0021%; no homozygotes.

Submission:

Labcorp Genetics (formerly Invitae), Labcorp
Classification: Uncertain significance. Last evaluated: 2025-08-15. Review status: criteria provided, single submitter. Criteria: Invitae Variant Classification Sherloc (09022015). Collection method: clinical testing. Allele origin: germline.
Comment: This sequence change replaces glycine, which is neutral and non-polar, with serine, which is neutral and polar, at codon 2765 of the HSPG2 protein (p.Gly2765Ser). This variant is present in population databases (no rsID available, gnomAD 0.004%). This variant has not been reported in the literature in individuals affected with HSPG2-related conditions. ClinVar contains an entry for this variant (Variation ID: 2168480). An algorithm developed to predict the effect of missense changes on protein structure and function (PolyPhen-2) suggests that this variant is likely to be disruptive. In summary, the available evidence is currently insufficient to determine the role of this variant in disease. Therefore, it has been classified as a Variant of Uncertain Significance.

NM_005529.7(HSPG2):c.8293G>A (p.Gly2765Ser)

Gene: HSPG2 (heparan sulfate proteoglycan 2; minus strand). Cytogenetic location: 1p36.12.
Variant type: single nucleotide variant.
Coding change: c.8293G>A on transcript NM_005529.7 (MANE Select); coding-DNA position 8293, G replaced by A.
Protein change: p.Gly2765Ser; replaces glycine 2765 with serine.
Molecular consequence: missense variant.
Genome position (GRCh38, 1-based): chr1:21,846,471, C>T on the plus strand (G>A on the coding strand, the complement: HSPG2 is on the minus strand). VCF-style: chr1-21846471-C-T. GRCh37 (hg19) VCF-style: chr1-22172964-C-T.
Other names: c.8296G>A, p.Gly2766Ser (NM_001291860.2); short protein forms G2765S, G2766S.
Identifiers: ClinVar variation 2168480 (VCV002168480.3), dbSNP rs962884439, ClinGen allele CA19113004.